The following is an entry in ClinVar:

NM_001375567.1(FOCAD):c.3418A>G (p.Ile1140Val)

Gene: FOCAD (focadhesin; plus strand). Cytogenetic location: 9p21.3.
Variant type: single nucleotide variant.
Coding change: c.3418A>G on transcript NM_001375567.1 (MANE Select); coding-DNA position 3418, A replaced by G.
Protein change: p.Ile1140Val; replaces isoleucine 1140 with valine.
Molecular consequence: missense variant.
Genome position (GRCh38, 1-based): chr9:20,944,637, A>G. VCF-style: chr9-20944637-A-G. GRCh37 (hg19) VCF-style: chr9-20944636-A-G.
Other names: c.3313A>G, p.Ile1105Val (NM_001375568.1, NM_001375570.1); c.3418A>G, p.Ile1140Val (NM_017794.5); short protein forms I1105V, I1140V.
Identifiers: ClinVar variation 4026113 (VCV004026113.2).
Genomic context (GRCh38, chr9:20,944,637, plus strand): 5'-TTGTGTGGATTTCTTATGATCCTAACATCTTATCTTTTTTGGCTTCCAAGCACGGGCTGT[A>G]TATTGGGAGTTGGACTTGTTCTGTCCCTCATGAGCCACAGCAGCCAAATGCAGTCCCGCG-3'
Protein context (NP_001362496.1, residues 1130-1150): DTSLEYNTGC[Ile1140Val]LGVGLVLSLM

ClinVar aggregate classification (germline): Uncertain significance. Review status: criteria provided, multiple submitters, no conflicts (2 of 4 stars). 2 submissions from 2 submitters: Uncertain significance (2). Last evaluated 2025-11-23.

Conditions:
Inborn genetic diseases. Identifiers: MedGen C0950123, MeSH D030342.

gnomAD v4.1: 74 of 1,613,376 alleles (0.0046%); highest among the groups gnomAD compares: Non-Finnish European, 0.0059%; no homozygotes.

Submissions (2):

Labcorp Genetics (formerly Invitae), Labcorp
Classification: Uncertain significance. Last evaluated: 2025-11-23. Review status: criteria provided, single submitter. Criteria: Invitae Variant Classification Sherloc (09022015). Collection method: clinical testing. Allele origin: germline.
Comment: This sequence change replaces isoleucine, which is neutral and non-polar, with valine, which is neutral and non-polar, at codon 1140 of the FOCAD protein (p.Ile1140Val). This variant is present in population databases (rs144863468, gnomAD 0.008%). This variant has not been reported in the literature in individuals affected with FOCAD-related conditions. ClinVar contains an entry for this variant (Variation ID: 4026113). An algorithm developed to predict the effect of missense changes on protein structure and function outputs the following: PolyPhen-2: "Not Available". The valine amino acid residue is found in multiple mammalian species, which suggests that this missense change does not adversely affect protein function. In summary, the available evidence is currently insufficient to determine the role of this variant in disease. Therefore, it has been classified as a Variant of Uncertain Significance.

Ambry Genetics
Classification: Uncertain significance for Inborn genetic diseases. Last evaluated: 2025-05-26. Review status: criteria provided, single submitter. Criteria: Ambry Variant Classification Scheme 2023. Collection method: clinical testing. Allele origin: germline.